The following is an entry in ClinVar:

ClinVar aggregate classification (germline): Uncertain significance. Review status: criteria provided, multiple submitters, no conflicts (2 of 4 stars). 2 submissions from 2 submitters: Uncertain significance (2). Last evaluated 2026-08-16.

Submissions (2):

Ambry Genetics
Classification: Uncertain significance. Last evaluated: 2026-08-16. Review status: criteria provided, single submitter. Criteria: Ambry Variant Classification Scheme 2023. Collection method: clinical testing. Allele origin: germline.
Comment: The p.F13L variant (also known as c.37T>C), located in coding exon 1 of the FAM175A gene, results from a T to C substitution at nucleotide position 37. The phenylalanine at codon 13 is replaced by leucine, an amino acid with highly similar properties. This amino acid position is conserved. In addition, this alteration is predicted to be tolerated by in silico analysis. Based on the available evidence, the clinical significance of this variant remains unclear.

Labcorp Genetics (formerly Invitae), Labcorp
Classification: Uncertain significance. Last evaluated: 2022-04-12. Review status: criteria provided, single submitter. Criteria: Invitae Variant Classification Sherloc (09022015). Collection method: clinical testing. Allele origin: germline.
Comment: This variant has not been reported in the literature in individuals affected with ABRAXAS1-related conditions. In summary, the available evidence is currently insufficient to determine the role of this variant in disease. Therefore, it has been classified as a Variant of Uncertain Significance. Algorithms developed to predict the effect of missense changes on protein structure and function are either unavailable or do not agree on the potential impact of this missense change (SIFT: "Tolerated"; PolyPhen-2: "Possibly Damaging"; Align-GVGD: "Class C0"). This variant is not present in population databases (gnomAD no frequency). This sequence change replaces phenylalanine, which is neutral and non-polar, with leucine, which is neutral and non-polar, at codon 13 of the ABRAXAS1 protein (p.Phe13Leu).

NM_139076.3(ABRAXAS1):c.37T>C (p.Phe13Leu)

Genes: ABRAXAS1 (abraxas 1, BRCA1 A complex subunit; minus strand), LOC129992784 (ATAC-STARR-seq lymphoblastoid silent region 15542; plus strand). Cytogenetic location: 4q21.23.
Variant type: single nucleotide variant.
Coding change: c.37T>C on transcript NM_139076.3 (MANE Select); coding-DNA position 37, T replaced by C.
Protein change: p.Phe13Leu; replaces phenylalanine 13 with leucine.
Molecular consequence: missense variant. On other transcripts: 5 prime UTR variant (1).
Genome position (GRCh38, 1-based): chr4:83,485,036, A>G on the plus strand (T>C on the coding strand, the complement: ABRAXAS1 is on the minus strand). VCF-style: chr4-83485036-A-G. GRCh37 (hg19) VCF-style: chr4-84406189-A-G.
Other names: c.-224T>C (NM_001345962.2); c.37T>C (NM_139076.2); short protein forms F13L.
Identifiers: ClinVar variation 1525588 (VCV001525588.9), dbSNP rs2110051953, ClinGen allele CA357264029.
Genomic context (GRCh38, chr4:83,485,036, plus strand): 5'-CTCGGCTCACCGTGTCCGAGTCCGTGTTGAGGTGCTGGAAAGCGAGTGCGCCGAGCACAA[A>G]GCCCGAGAGCACCGCCGACGTACTCTCCCCCTCCATGCTACCGCCGCCTCAGGCTACACA-3'
Protein context (NP_620775.2, residues 3-23): GESTSAVLSG[Phe13Leu]VLGALAFQHL